The following is an entry in ClinVar:

NM_001886.3(CRYBA4):c.465G>A (p.Pro155=)

Gene: CRYBA4 (crystallin beta A4; plus strand). Cytogenetic location: 22q12.1.
Variant type: single nucleotide variant.
Coding change: c.465G>A on transcript NM_001886.3 (MANE Select); coding-DNA position 465, G replaced by A.
Protein change: p.Pro155=; no amino-acid change (proline 155 retained).
Molecular consequence: synonymous variant.
Genome position (GRCh38, 1-based): chr22:26,630,361, G>A. VCF-style: chr22-26630361-G-A. GRCh37 (hg19) VCF-style: chr22-27026325-G-A.
Identifiers: ClinVar variation 702372 (VCV000702372.34), dbSNP rs117467748, ClinGen allele CA10165841.
Genomic context (GRCh38, chr22:26,630,361, plus strand): 5'-GTCTCTGTAGAGTAACTGTCTGCCTTTTCTCTTTTCCAGCTGGGTTTGCTCCCAGTTTCC[G>A]GGCTACCGAGGATTTCAGTATGTGCTGGAATGCGATCACCATTCCGGTGACTACAAACAT-3'
Protein context (NP_001877.1, residues 145-165): HSGAWVCSQF[Pro155=]GYRGFQYVLE

ClinVar aggregate classification (germline): Benign/Likely benign. Review status: criteria provided, multiple submitters, no conflicts (2 of 4 stars). 4 submissions from 4 submitters: Benign (1); Likely benign (2). 1 of the submissions does not count toward it. Last evaluated 2025-11-06.

Conditions:
CRYBA4-related disorder. Also called: CRYBA4-related condition.
Cataract 23 (CTRCT23). Also called: CATARACT 23, LAMELLAR; Cataract 23, multiple types. Identifiers: Orphanet 91492, MedGen C3808012, MONDO:0012489, OMIM 610425.

Allele frequency attached by ClinVar (database versions not stated): 1000 Genomes Project 30x 0.00078; 1000 Genomes Project 0.00080; gnomAD 0.00111; gnomAD exomes 0.00130; ExAC 0.00131; TOPMed 0.00141; ESP Exome Variant Server 0.00146.
gnomAD v4.1: 2,661 of 1,614,190 alleles (0.16%); highest among the groups gnomAD compares: Non-Finnish European, 0.2%; 3 homozygotes.

Submissions (6):

Labcorp Genetics (formerly Invitae), Labcorp
Classification: Benign for Cataract 23. Last evaluated: 2025-11-06. Review status: criteria provided, single submitter. Criteria: Invitae Variant Classification Sherloc (09022015). Collection method: clinical testing. Allele origin: germline.

Blueprint Genetics
Classification: Likely benign. Last evaluated: 2024-10-31. Review status: criteria provided, single submitter. Criteria: ACMG Guidelines, 2015. Collection method: clinical testing. Allele origin: germline.

CeGaT Center for Human Genetics Tuebingen
Classification: Likely benign. Last evaluated: 2024-02-01. Review status: criteria provided, single submitter. Criteria: CeGaT Center For Human Genetics Tuebingen Variant Classification Criteria Version 2. Collection method: clinical testing. Allele origin: germline. Affected: yes. Observed: 1 variant allele.
Comment: CRYBA4: BP4, BP7

PreventionGenetics, part of Exact Sciences
Classification: Likely benign for CRYBA4-related condition. Last evaluated: 2019-09-10. Review status: no assertion criteria provided. Collection method: clinical testing. Allele origin: germline. Not counted in ClinVar's aggregate classification.
Comment: This variant is classified as likely benign based on ACMG/AMP sequence variant interpretation guidelines (Richards et al. 2015 PMID: 25741868, with internal and published modifications).

Dr. Peter K. Rogan Lab, Western University
No classification provided (evidence only). Condition: Lung cancer. Review status: no classification provided. Collection method: in vitro. Allele origin: not applicable. Functional consequence: retained intron. Not counted in ClinVar's aggregate classification.

Dr. Peter K. Rogan Lab, Western University
No classification provided (evidence only). Condition: Lung cancer. Review status: no classification provided. Collection method: in vitro. Allele origin: not applicable. Functional consequence: retained intron. Not counted in ClinVar's aggregate classification.